The following is an entry in ClinVar:

NM_000179.3(MSH6):c.2345T>A (p.Leu782His)

Gene: MSH6 (mutS homolog 6; plus strand). Cytogenetic location: 2p16.3.
Variant type: single nucleotide variant.
Coding change: c.2345T>A on transcript NM_000179.3 (MANE Select); coding-DNA position 2345, T replaced by A.
Protein change: p.Leu782His; replaces leucine 782 with histidine.
Molecular consequence: missense variant. On other transcripts: non-coding transcript variant (5), intron variant (3).
Genome position (GRCh38, 1-based): chr2:47,800,328, T>A. VCF-style: chr2-47800328-T-A. GRCh37 (hg19) VCF-style: chr2-48027467-T-A.
Other names: c.2048T>A, p.Leu683His (NM_001406818.1, NM_001406819.1, NM_001406820.1 and 10 more transcripts); c.1439T>A, p.Leu480His (NM_001406823.1, NM_001281493.2, NM_001281494.2 and 6 more transcripts); c.2177T>A, p.Leu726His (NM_001406826.1); c.1955T>A, p.Leu652His (NM_001281492.2); c.2441T>A, p.Leu814His (NM_001406795.1, NM_001406802.1); c.2345T>A, p.Leu782His (NM_001406796.1, NM_001406798.1, NM_001406800.1 and 2 more transcripts); c.1820T>A, p.Leu607His (NM_001406799.1, NM_001406806.1, NM_001406807.1); c.2267T>A, p.Leu756His (NM_001406804.1); and 4 more; short protein forms L652H, L683H, L784H, L814H, L480H, L607H, L726H, L756H.
Identifiers: ClinVar variation 4825274 (VCV004825274.1).

ClinVar aggregate classification (germline): Uncertain significance (1 of 4 stars; one submission).

Conditions:
Hereditary cancer-predisposing syndrome. Also called: Neoplastic Syndromes, Hereditary; Tumor predisposition; Hereditary Cancer Syndrome; Hereditary neoplastic syndrome. Identifiers: Orphanet 140162, MedGen C0027672, MeSH D009386, MONDO:0015356.

Submission:

Ambry Genetics
Classification: Uncertain significance for Hereditary cancer-predisposing syndrome. Last evaluated: 2026-02-20. Review status: criteria provided, single submitter. Criteria: Ambry Variant Classification Scheme 2023. Collection method: clinical testing. Allele origin: germline.
Comment: The p.L782H variant (also known as c.2345T>A), located in coding exon 4 of the MSH6 gene, results from a T to A substitution at nucleotide position 2345. The leucine at codon 782 is replaced by histidine, an amino acid with similar properties. This amino acid position is conserved. In addition, this alteration is predicted to be deleterious by in silico analysis. Based on the available evidence, the clinical significance of this variant remains unclear.